The following is an entry in ClinVar:

NM_001039660.2(IL18BP):c.188A>C (p.Gln63Pro)

Gene: IL18BP (interleukin 18 binding protein; plus strand). Cytogenetic location: 11q13.4.
Variant type: single nucleotide variant.
Coding change: c.188A>C on transcript NM_001039660.2 (MANE Select); coding-DNA position 188, A replaced by C.
Protein change: p.Gln63Pro; replaces glutamine 63 with proline.
Molecular consequence: missense variant.
Genome position (GRCh38, 1-based): chr11:72,000,510, A>C. VCF-style: chr11-72000510-A-C. GRCh37 (hg19) VCF-style: chr11-71711556-A-C.
Other names: c.188A>C, p.Gln63Pro (NM_001039659.2, NM_001145055.1, NM_001145057.1 and 3 more transcripts); short protein forms Q63P.
Identifiers: ClinVar variation 1974794 (VCV001974794.5), dbSNP rs749402435, ClinGen allele CA6166134.

ClinVar aggregate classification (germline): Uncertain significance (1 of 4 stars; one submission).

Allele frequency attached by ClinVar (database versions not stated): gnomAD exomes below 0.00001; ExAC 0.00001; gnomAD 0.00001; TOPMed 0.00001.
gnomAD v4.1: 3 of 1,613,608 alleles (0.00019%); highest among the groups gnomAD compares: Admixed American, 0.0017%; no homozygotes.

Submission:

Labcorp Genetics (formerly Invitae), Labcorp
Classification: Uncertain significance. Last evaluated: 2024-04-25. Review status: criteria provided, single submitter. Criteria: Invitae Variant Classification Sherloc (09022015). Collection method: clinical testing. Allele origin: germline.
Comment: This sequence change replaces glutamine, which is neutral and polar, with proline, which is neutral and non-polar, at codon 63 of the IL18BP protein (p.Gln63Pro). This variant is present in population databases (rs749402435, gnomAD 0.003%). This variant has not been reported in the literature in individuals affected with IL18BP-related conditions. ClinVar contains an entry for this variant (Variation ID: 1974794). Algorithms developed to predict the effect of missense changes on protein structure and function output the following: SIFT: "Not Available"; PolyPhen-2: "Benign"; Align-GVGD: "Not Available". The proline amino acid residue is found in multiple mammalian species, which suggests that this missense change does not adversely affect protein function. In summary, the available evidence is currently insufficient to determine the role of this variant in disease. Therefore, it has been classified as a Variant of Uncertain Significance.